The following is an entry in ClinVar:

NM_001134407.3(GRIN2A):c.1279G>A (p.Glu427Lys)

Gene: GRIN2A (glutamate ionotropic receptor NMDA type subunit 2A; minus strand). Cytogenetic location: 16p13.2.
Variant type: single nucleotide variant.
Coding change: c.1279G>A on transcript NM_001134407.3 (MANE Select); coding-DNA position 1279, G replaced by A.
Protein change: p.Glu427Lys; replaces glutamic acid 427 with lysine.
Molecular consequence: missense variant.
Genome position (GRCh38, 1-based): chr16:9,849,805, C>T on the plus strand (G>A on the coding strand, the complement: GRIN2A is on the minus strand). VCF-style: chr16-9849805-C-T. GRCh37 (hg19) VCF-style: chr16-9943662-C-T.
Other names: c.1279G>A, p.Glu427Lys (NM_000833.5, NM_001134408.2); short protein forms E427K.
Identifiers: ClinVar variation 2810628 (VCV002810628.3), dbSNP rs560839364, ClinGen allele CA278182622.
Genomic context (GRCh38, chr16:9,849,805, plus strand): 5'-CTGCCACTCACTTGATTTTGACGAACTTCCGACATGGCACGGTGTTCCTCACACACGTCT[C>T]GGTCAGGGGGTCTATGTCTTCCACGATGACGAATGGGGCCTCCTCCAGGGTGACGATGCT-3'
Protein context (NP_001127879.1, residues 417-437): VIVEDIDPLT[Glu427Lys]TCVRNTVPCR

ClinVar aggregate classification (germline): Uncertain significance (1 of 4 stars; one submission).

Conditions:
Landau-Kleffner syndrome (FESD). Also called: EPILEPSY, FOCAL, WITH SPEECH DISORDER AND WITH OR WITHOUT MENTAL RETARDATION; APHASIA, ACQUIRED, WITH EPILEPSY. Identifiers: Orphanet 1945, Orphanet 725, Orphanet 98818, MedGen C0282512, MONDO:0009509, OMIM 245570.

Allele frequency attached by ClinVar (database versions not stated): 1000 Genomes Project 30x 0.00016; 1000 Genomes Project 0.00020.
gnomAD v4.1: 1 of 1,614,026 alleles (0.000062%); highest among the groups gnomAD compares: East Asian, 0.0022%; no homozygotes.

Submission:

Labcorp Genetics (formerly Invitae), Labcorp
Classification: Uncertain significance for Landau-Kleffner syndrome. Last evaluated: 2022-10-29. Review status: criteria provided, single submitter. Criteria: Invitae Variant Classification Sherloc (09022015). Collection method: clinical testing. Allele origin: germline.
Comment: Advanced modeling of protein sequence and biophysical properties (such as structural, functional, and spatial information, amino acid conservation, physicochemical variation, residue mobility, and thermodynamic stability) performed at Invitae indicates that this missense variant is not expected to disrupt GRIN2A protein function. In summary, the available evidence is currently insufficient to determine the role of this variant in disease. Therefore, it has been classified as a Variant of Uncertain Significance. This variant has not been reported in the literature in individuals affected with GRIN2A-related conditions. This sequence change replaces glutamic acid, which is acidic and polar, with lysine, which is basic and polar, at codon 427 of the GRIN2A protein (p.Glu427Lys). This variant is not present in population databases (gnomAD no frequency).